The following is an entry in ClinVar:

ClinVar aggregate classification (germline): Uncertain significance (1 of 4 stars; one submission).

Allele frequency attached by ClinVar (database versions not stated): gnomAD exomes below 0.00001; gnomAD 0.00001; TOPMed 0.00002; ESP Exome Variant Server 0.00008.
gnomAD v4.1: 8 of 1,614,008 alleles (0.0005%); highest among the groups gnomAD compares: African/African-American, 0.0013%; no homozygotes.

Submission:

Labcorp Genetics (formerly Invitae), Labcorp
Classification: Uncertain significance. Last evaluated: 2022-06-25. Review status: criteria provided, single submitter. Criteria: Invitae Variant Classification Sherloc (09022015). Collection method: clinical testing. Allele origin: germline.
Comment: This sequence change replaces isoleucine, which is neutral and non-polar, with valine, which is neutral and non-polar, at codon 501 of the LONP1 protein (p.Ile501Val). This variant is not present in population databases (gnomAD no frequency). This variant has not been reported in the literature in individuals affected with LONP1-related conditions. Algorithms developed to predict the effect of missense changes on protein structure and function output the following: SIFT: "Tolerated"; PolyPhen-2: "Benign"; Align-GVGD: "Class C0". The valine amino acid residue is found in multiple mammalian species, which suggests that this missense change does not adversely affect protein function. In summary, the available evidence is currently insufficient to determine the role of this variant in disease. Therefore, it has been classified as a Variant of Uncertain Significance.

NM_004793.4(LONP1):c.1501A>G (p.Ile501Val)

Gene: LONP1 (lon peptidase 1, mitochondrial; minus strand). Cytogenetic location: 19p13.3.
Variant type: single nucleotide variant.
Coding change: c.1501A>G on transcript NM_004793.4 (MANE Select); coding-DNA position 1501, A replaced by G.
Protein change: p.Ile501Val; replaces isoleucine 501 with valine.
Molecular consequence: missense variant. On other transcripts: non-coding transcript variant (1).
Genome position (GRCh38, 1-based): chr19:5,700,794, T>C on the plus strand (A>G on the coding strand, the complement: LONP1 is on the minus strand). VCF-style: chr19-5700794-T-C. GRCh37 (hg19) VCF-style: chr19-5700805-T-C.
Other names: c.1309A>G, p.Ile437Val (NM_001276479.2); c.913A>G, p.Ile305Val (NM_001276480.1); short protein forms I305V, I501V, I437V.
Identifiers: ClinVar variation 2128042 (VCV002128042.4), dbSNP rs375533857, ClinGen allele CA304620390.